The following is an entry in ClinVar:

ClinVar aggregate classification (germline): Uncertain significance (1 of 4 stars; one submission).

Conditions:
Charcot-Marie-Tooth disease type 4. Also called: Charcot-Marie-Tooth, Type 4; Charcot-Marie-Tooth disease, type IV. Identifiers: Orphanet 64749, MedGen C4082197, MONDO:0018995.

Submission:

Labcorp Genetics (formerly Invitae), Labcorp
Classification: Uncertain significance for Charcot-Marie-Tooth disease type 4. Last evaluated: 2022-07-26. Review status: criteria provided, single submitter. Criteria: Invitae Variant Classification Sherloc (09022015). Collection method: clinical testing. Allele origin: germline.
Comment: This variant, c.1242_1244del, results in the deletion of 1 amino acid(s) of the FGD4 protein (p.Glu414del), but otherwise preserves the integrity of the reading frame. This variant is present in population databases (no rsID available, gnomAD 0.0009%). This variant has not been reported in the literature in individuals affected with FGD4-related conditions. ClinVar contains an entry for this variant (Variation ID: 566730). Experimental studies and prediction algorithms are not available or were not evaluated, and the functional significance of this variant is currently unknown. In summary, the available evidence is currently insufficient to determine the role of this variant in disease. Therefore, it has been classified as a Variant of Uncertain Significance.

NM_001370298.3(FGD4):c.1644AGA[3] (p.Glu551del)

Gene: FGD4 (FYVE, RhoGEF and PH domain containing 4; plus strand). Cytogenetic location: 12p11.21.
Variant type: Microsatellite.
Coding change: c.1644AGA[3] on transcript NM_001370298.3 (MANE Select); three copies in a row of the 3-base unit AGA starting at c.1644; the reference has four copies in a row; one copy, 3 bases deleted.
Protein change: p.Glu551del; deletes glutamic acid 551.
Molecular consequence: inframe deletion. On other transcripts: inframe indel (1).
Genome position (GRCh38, 1-based): chr12:32,611,187-32,611,189, AGA deleted; deleting any 3 consecutive bases within chr12:32,611,178-32,611,189 gives the same sequence; the position shown is the placement nearest the transcript's 3' end. VCF-style (leftmost placement, unchanged base first): chr12-32611177-GAGA-G. GRCh37 (hg19) VCF-style: chr12-32764111-GAGA-G.
Other names: c.1242_1244delAGA (NM_139241.3); c.1488_1490AGA[3], p.Glu499del (NM_001304481.2); c.489AGA[3], p.Glu166del (NM_001304483.2); c.201AGA[3], p.Glu70del (NM_001304484.2); c.954AGA[3], p.Glu321del (NM_001330373.2, NM_001330374.2, NM_001384130.1); c.681AGA[3], p.Glu230del (NM_001370297.1); c.1644AGA[3], p.Glu551del (NM_001384126.1); c.1233AGA[3], p.Glu414del (NM_001384127.1, NM_001384128.1, NM_001385118.1 and 1 more transcripts); short protein forms E414del, E499del, E70del, E230del, E166del, E321del, E551del.
Identifiers: ClinVar variation 566730 (VCV000566730.8), dbSNP rs1264651352, ClinGen allele CA604224658.
Genomic context (GRCh38, chr12:32,611,177, plus strand): 5'-TTGCTGTTTTAATTTCCTAGGAGAACCTAAAGAAACTCTTAGAGATTTATGAAATGTTGG[GAGA>G]AGAAGAAGACATTGTAAACCCTTCAAATGAACTAATAAAAGAAGGACAGATCCTCAAACT-3'